The following is an entry in ClinVar:

NM_001080476.3(GRXCR1):c.785G>T (p.Arg262Leu)

Gene: GRXCR1 (glutaredoxin and cysteine rich domain containing 1; plus strand). Cytogenetic location: 4p13.
Variant type: single nucleotide variant.
Coding change: c.785G>T on transcript NM_001080476.3 (MANE Select); coding-DNA position 785, G replaced by T.
Protein change: p.Arg262Leu; replaces arginine 262 with leucine.
Molecular consequence: missense variant.
Genome position (GRCh38, 1-based): chr4:43,030,452, G>T. VCF-style: chr4-43030452-G-T. GRCh37 (hg19) VCF-style: chr4-43032469-G-T.
Other names: short protein forms R262L.
Identifiers: ClinVar variation 505243 (VCV000505243.4), dbSNP rs146696590, ClinGen allele CA356791892.

ClinVar aggregate classification (germline): Uncertain significance (1 of 4 stars; one submission).

Allele frequency attached by ClinVar (database versions not stated): TOPMed 0.00001.
gnomAD v4.1: 1 of 1,613,844 alleles (0.000062%); highest among the groups gnomAD compares: African/African-American, 0.0013%; no homozygotes.

Submission:

Laboratory for Molecular Medicine, Mass General Brigham Personalized Medicine
Classification: Uncertain significance. Last evaluated: 2016-08-18. Review status: criteria provided, single submitter. Criteria: LMM Criteria. Collection method: clinical testing. Allele origin: germline. Observed: 1 variant allele.
Comment: Variant classified as Uncertain Significance - Favor Pathogenic. The p.Arg262Leu variant in GRXCR1 has not been previously reported in individuals with hearing loss and was absent from large population studies. Computational prediction tool s and conservation analyses suggest that this variant may impact the protein, th ough this information is not predictive enough to determine pathogenicity. In su mmary, while there is some suspicion for a pathogenic role based on its presence in trans with a likely pathogenic variant (this individual), low frequency, and the computational and conservation data, the clinical significance of the p.Arg 262Leu variant is uncertain.